The following is an entry in ClinVar:

NM_001353979.2(KDM5C):c.4314+1830A>G

Gene: KDM5C (lysine demethylase 5C; minus strand). Cytogenetic location: Xp11.22.
Variant type: single nucleotide variant.
Coding change: c.4314+1830A>G on transcript NM_001353979.2; 1830 bases into the intron after coding-DNA position 4314, A replaced by G.
Molecular consequence: intron variant. On other transcripts: missense variant (1).
Genome position (GRCh38, 1-based): chrX:53,191,607, T>C on the plus strand (A>G on the coding strand, the complement: KDM5C is on the minus strand). VCF-style: chrX-53191607-T-C. GRCh37 (hg19) VCF-style: chrX-53220789-T-C.
Other names: c.4324A>G, p.Asn1442Asp (NM_001353984.2); c.4305+1830A>G (NM_001353982.2); c.4308+1830A>G (NM_001353981.2); short protein forms N1442D.
Identifiers: ClinVar variation 2660584 (VCV002660584.22), dbSNP rs2519351234, ClinGen allele CA2695200211.

ClinVar aggregate classification (germline): Uncertain significance (1 of 4 stars; one submission).

Submission:

CeGaT Center for Human Genetics Tuebingen
Classification: Uncertain significance. Last evaluated: 2023-10-01. Review status: criteria provided, single submitter. Criteria: CeGaT Center For Human Genetics Tuebingen Variant Classification Criteria Version 2. Collection method: clinical testing. Allele origin: germline. Affected: yes. Observed: 1 variant allele.
Comment: KDM5C: PM2, PP2